The following is an entry in ClinVar:

ClinVar aggregate classification (germline): Conflicting classifications of pathogenicity. Review status: criteria provided, conflicting classifications (1 of 4 stars). 4 submissions from 4 submitters: Uncertain significance (3); Benign (1). Last evaluated 2025-07-24.

Conditions:
Primary ciliary dyskinesia. Also called: Ciliary dyskinesia. Identifiers: Orphanet 244, MedGen C0008780, MONDO:0016575, HP:0012265.
Primary ciliary dyskinesia 7. Also called: CILIARY DYSKINESIA, PRIMARY, 7, WITH OR WITHOUT SITUS INVERSUS. Identifiers: Orphanet 244, MedGen C2678473, MONDO:0012748, OMIM 611884.

Allele frequency attached by ClinVar (database versions not stated): gnomAD 0.00004 and 0.00007; TOPMed 0.00004; ESP Exome Variant Server 0.00008; gnomAD exomes 0.00008; ExAC 0.00013.
gnomAD v4.1: 140 of 1,611,188 alleles (0.0087%); highest among the groups gnomAD compares: South Asian, 0.043%; no homozygotes.

Submissions (4):

Labcorp Genetics (formerly Invitae), Labcorp
Classification: Benign for Primary ciliary dyskinesia. Last evaluated: 2025-07-24. Review status: criteria provided, single submitter. Criteria: Invitae Variant Classification Sherloc (09022015). Collection method: clinical testing. Allele origin: germline.

Ambry Genetics
Classification: Uncertain significance for Primary ciliary dyskinesia. Last evaluated: 2025-01-24. Review status: criteria provided, single submitter. Criteria: Ambry Variant Classification Scheme 2023. Collection method: clinical testing. Allele origin: germline.
Comment: The p.T3352M variant (also known as c.10055C>T), located in coding exon 62 of the DNAH11 gene, results from a C to T substitution at nucleotide position 10055. The threonine at codon 3352 is replaced by methionine, an amino acid with similar properties. This variant has been identified in the homozygous state and/or in conjunction with other DNAH11 variant(s) in individual(s) with features consistent with primary ciliary dyskinesia (Marinakis NM et al. Am J Med Genet A, 2021 Aug;185:2561-2571). This amino acid position is highly conserved in available vertebrate species. In addition, the in silico prediction for this alteration is inconclusive. Based on the available evidence, the clinical significance of this variant remains unclear.

Blueprint Genetics
Classification: Uncertain significance. Last evaluated: 2024-08-29. Review status: criteria provided, single submitter. Criteria: ACMG Guidelines, 2015. Collection method: clinical testing. Allele origin: germline.

Laboratory of Medical Genetics, National & Kapodistrian University of Athens
Classification: Uncertain significance for Primary ciliary dyskinesia 7. Last evaluated: 2021-10-01. Review status: criteria provided, single submitter. Criteria: ACMG Guidelines, 2015. Collection method: clinical testing. Allele origin: paternal. Affected: yes.
Comment: PM1, PP3, PP5, BS1, BS2. It was detected in trans with DNAH11:c.10055C>T

Literature cited by the submitters: PubMed 34008892 (cited by Ambry Genetics and Laboratory of Medical Genetics, National & Kapodistrian University of Athens).

NM_001277115.2(DNAH11):c.10055C>T (p.Thr3352Met)

Gene: DNAH11 (dynein axonemal heavy chain 11; plus strand). Cytogenetic location: 7p15.3.
Variant type: single nucleotide variant.
Coding change: c.10055C>T on transcript NM_001277115.2 (MANE Select); coding-DNA position 10055, C replaced by T.
Protein change: p.Thr3352Met; replaces threonine 3352 with methionine.
Molecular consequence: missense variant.
Genome position (GRCh38, 1-based): chr7:21,801,165, C>T. VCF-style: chr7-21801165-C-T. GRCh37 (hg19) VCF-style: chr7-21840783-C-T.
Other names: c.10055C>T (NM_001277115.1); short protein forms T3352M.
Identifiers: ClinVar variation 1299656 (VCV001299656.9), dbSNP rs369182142, ClinGen allele CA4182219.